The following is an entry in ClinVar:

ClinVar aggregate classification (germline): Pathogenic/Likely pathogenic. Review status: criteria provided, multiple submitters, no conflicts (2 of 4 stars). 5 submissions from 5 submitters: Pathogenic (1); Likely pathogenic (4). Last evaluated 2024-01-31.

Conditions:
Spastic paraplegia. Identifiers: MedGen C0037772, HP:0001258.
Allan-Herndon-Dudley syndrome (AHDS). Also called: ALLAN-HERNDON SYNDROME; T3 RESISTANCE; TRIIODOTHYRONINE RESISTANCE; Passos-Bueno syndrome; MENTAL RETARDATION AND MUSCULAR ATROPHY. Identifiers: Orphanet 59, MedGen C0795889, MONDO:0010354, OMIM 300523.
Decreased activity of the pyruvate dehydrogenase complex. Identifiers: MedGen C1839888, HP:0002928.

Submissions (5):

Labcorp Genetics (formerly Invitae), Labcorp
Classification: Pathogenic for Spastic paraplegia. Last evaluated: 2024-01-31. Review status: criteria provided, single submitter. Criteria: Invitae Variant Classification Sherloc (09022015). Collection method: clinical testing. Allele origin: germline.
Comment: This sequence change replaces glycine, which is neutral and non-polar, with arginine, which is basic and polar, at codon 327 of the SLC16A2 protein (p.Gly327Arg). This variant is not present in population databases (gnomAD no frequency). This missense change has been observed in individuals with Allan–Herndon–Dudleysyndrome (PMID: 20083155, 23744248, 30369548). This variant is also known as Gly401Arg. ClinVar contains an entry for this variant (Variation ID: 159901). Advanced modeling of protein sequence and biophysical properties (such as structural, functional, and spatial information, amino acid conservation, physicochemical variation, residue mobility, and thermodynamic stability) performed at Invitae indicates that this missense variant is expected to disrupt SLC16A2 protein function with a positive predictive value of 80%. Experimental studies have shown that this missense change affects SLC16A2 function (PMID: 30369548). This variant disrupts the p.Gly327 amino acid residue in SLC16A2. Other variant(s) that disrupt this residue have been observed in individuals with SLC16A2-related conditions (PMID: 31410843), which suggests that this may be a clinically significant amino acid residue. For these reasons, this variant has been classified as Pathogenic.

Institute of Medical Genetics and Applied Genomics, University Hospital Tübingen
Classification: Likely pathogenic. Last evaluated: 2020-10-23. Review status: criteria provided, single submitter. Criteria: ACMG Guidelines, 2015. Collection method: clinical testing. Allele origin: germline. Inheritance: Unknown mechanism. Affected: yes.

Centre for Mendelian Genomics, University Medical Centre Ljubljana
Classification: Likely pathogenic for Decreased activity of the pyruvate dehydrogenase complex. Last evaluated: 2015-05-14. Review status: criteria provided, single submitter. Criteria: ACMG Guidelines, 2015. Collection method: clinical testing. Allele origin: unknown. Affected: yes.

Genetic Services Laboratory, University of Chicago
Classification: Likely pathogenic for Allan-Herndon-Dudley syndrome. Last evaluated: 2013-02-08. Review status: criteria provided, single submitter. Criteria: ACMG Guidelines, 2007. Collection method: clinical testing. Allele origin: germline. Inheritance: X-linked inheritance. Affected: yes.

Juno Genomics, Hangzhou Juno Genomics, Inc
Classification: Likely pathogenic for Allan-Herndon-Dudley syndrome. Review status: criteria provided, single submitter. Criteria: ACMG Guidelines, 2015. Collection method: clinical testing. Allele origin: germline. Affected: yes.
Comment: Absent from controls (or at extremely low frequency if recessive) in Genome Aggregation Database, Exome Sequencing Project, 1000 Genomes Project, or Exome Aggregation Consortium.;The prevalence of the variant in affected individuals is significantly increased compared to the prevalence in controls.;Patient's phenotype or family history is highly specific for a disease with a single genetic etiology.;Novel missense change at an amino acid residue where a different missense change determined to be pathogenic has been seen before.;Well-established in vitro or in vivo functional studies supportive of a damaging effect on the gene or gene product.

Literature cited by the submitters: PubMed 20083155 (cited by Labcorp Genetics (formerly Invitae), Labcorp); PubMed 23744248 (cited by Labcorp Genetics (formerly Invitae), Labcorp); PubMed 30369548 (cited by Labcorp Genetics (formerly Invitae), Labcorp); PubMed 31410843 (cited by Labcorp Genetics (formerly Invitae), Labcorp).

NM_006517.5(SLC16A2):c.979G>A (p.Gly327Arg)

Gene: SLC16A2 (solute carrier family 16 member 2; plus strand). Cytogenetic location: Xq13.2.
Variant type: single nucleotide variant.
Coding change: c.979G>A on transcript NM_006517.5 (MANE Select); coding-DNA position 979, G replaced by A.
Protein change: p.Gly327Arg; replaces glycine 327 with arginine.
Molecular consequence: missense variant.
Genome position (GRCh38, 1-based): chrX:74,524,762, G>A. VCF-style: chrX-74524762-G-A. GRCh37 (hg19) VCF-style: chrX-73744597-G-A.
Other names: short protein forms G327R.
Identifiers: ClinVar variation 159901 (VCV000159901.19), dbSNP rs587784383, ClinGen allele CA272488.